The following is an entry in ClinVar:

ClinVar aggregate classification (germline): Uncertain significance. Review status: criteria provided, multiple submitters, no conflicts (2 of 4 stars). 2 submissions from 2 submitters: Uncertain significance (2). Last evaluated 2024-01-30.

Conditions:
Dyskeratosis congenita. Identifiers: Orphanet 1775, MedGen C0265965, MONDO:0015780.
Cerebroretinal microangiopathy with calcifications and cysts 1 (CRMCC1). Identifiers: Orphanet 313838, MedGen C4552029, MONDO:0024564, OMIM 612199.

Allele frequency attached by ClinVar (database versions not stated): gnomAD 0.00001; 1000 Genomes Project 30x 0.00016; 1000 Genomes Project 0.00020; ExAC 0.00005; gnomAD exomes 0.00004.
gnomAD v4.1: 58 of 1,614,022 alleles (0.0036%); highest among the groups gnomAD compares: South Asian, 0.048%; 1 homozygote.

Submissions (2):

Fulgent Genetics
Classification: Uncertain significance for Cerebroretinal microangiopathy with calcifications and cysts 1. Last evaluated: 2024-01-30. Review status: criteria provided, single submitter. Criteria: ACMG Guidelines, 2015. Collection method: clinical testing. Allele origin: germline.

Labcorp Genetics (formerly Invitae), Labcorp
Classification: Uncertain significance for Dyskeratosis congenita. Last evaluated: 2024-01-19. Review status: criteria provided, single submitter. Criteria: Invitae Variant Classification Sherloc (09022015). Collection method: clinical testing. Allele origin: germline.
Comment: This sequence change replaces lysine, which is basic and polar, with glutamic acid, which is acidic and polar, at codon 47 of the CTC1 protein (p.Lys47Glu). This variant is present in population databases (rs544760936, gnomAD 0.03%). This variant has not been reported in the literature in individuals affected with CTC1-related conditions. ClinVar contains an entry for this variant (Variation ID: 654995). An algorithm developed to predict the effect of missense changes on protein structure and function (PolyPhen-2) suggests that this variant is likely to be disruptive. In summary, the available evidence is currently insufficient to determine the role of this variant in disease. Therefore, it has been classified as a Variant of Uncertain Significance.

NM_025099.6(CTC1):c.139A>G (p.Lys47Glu)

Gene: CTC1 (CST telomere replication complex component 1; minus strand). Cytogenetic location: 17p13.1.
Variant type: single nucleotide variant.
Coding change: c.139A>G on transcript NM_025099.6 (MANE Select); coding-DNA position 139, A replaced by G.
Protein change: p.Lys47Glu; replaces lysine 47 with glutamic acid.
Molecular consequence: missense variant. On other transcripts: non-coding transcript variant (1).
Genome position (GRCh38, 1-based): chr17:8,243,043, T>C on the plus strand (A>G on the coding strand, the complement: CTC1 is on the minus strand). VCF-style: chr17-8243043-T-C. GRCh37 (hg19) VCF-style: chr17-8146361-T-C.
Other names: short protein forms K47E.
Identifiers: ClinVar variation 654995 (VCV000654995.8), dbSNP rs544760936, ClinGen allele CA8372708.